The following is an entry in ClinVar:

ClinVar aggregate classification (germline): Likely pathogenic (1 of 4 stars; one submission).

Conditions:
Nance-Horan syndrome (NHS). Identifiers: Orphanet 627, MedGen C0796085, MONDO:0010545, OMIM 302350.
Cataract 40 (CTRCT40). Also called: CATARACT, CONGENITAL TOTAL, WITH POSTERIOR SUTURAL OPACITIES IN HETEROZYGOTES; Cataract 40, X-linked; CATARACT 40 WITH OR WITHOUT MICROCORNEA. Identifiers: Orphanet 91492, MedGen C4049004, MONDO:0010544, OMIM 302200.

Submission:

Juno Genomics, Hangzhou Juno Genomics, Inc
Classification: Likely pathogenic for Cataract 40; Nance-Horan syndrome. Review status: criteria provided, single submitter. Criteria: ACMG Guidelines, 2015. Collection method: clinical testing. Allele origin: germline.
Comment: Null variant in a gene where loss of function (LOF) is a known mechanism of disease.;Absent from controls (or at extremely low frequency if recessive) in Genome Aggregation Database.

NM_001291867.2(NHS):c.2047dup (p.Val683fs)

Gene: NHS (NHS actin remodeling regulator; plus strand). Cytogenetic location: Xp22.13.
Variant type: Duplication.
Coding change: c.2047dup on transcript NM_001291867.2 (MANE Select); coding-DNA position 2047, one base duplicated (G; older notation c.2047dupG).
Protein change: p.Val683fs; shifts the reading frame from valine 683.
Molecular consequence: frameshift variant.
Genome position (GRCh38, 1-based): chrX:17,726,153, G duplicated. VCF-style (leftmost placement, unchanged base first): chrX-17726152-C-CG. GRCh37 (hg19) VCF-style: chrX-17744272-C-CG.
Other names: c.1516dup, p.Val506fs (NM_001136024.4); c.1453dup, p.Val485fs (NM_001291868.2); c.1708dup, p.Val570fs (NM_001440780.1); c.1984dup, p.Val662fs (NM_198270.4); short protein forms V485fs, V683fs, V570fs, V506fs, V662fs.
Identifiers: ClinVar variation 5007540 (VCV005007540.2).
Genomic context (GRCh38, chrX:17,726,152, plus strand): 5'-CTGTGACTCGGAGTTGTCACTAAACACAGCCCCTCATGCCAATGAGGATGCCAGTGTTTT[C>CG]GTGACAGAGCAATACAATGACCACTTGGATAAAGTGAGAGGCCATCGGGCAAACTCCTTT-3'